The following is an entry in ClinVar:

NM_000081.4(LYST):c.10553G>A (p.Ser3518Asn)

Gene: LYST (lysosomal trafficking regulator; minus strand). Cytogenetic location: 1q42.3.
Variant type: single nucleotide variant.
Coding change: c.10553G>A on transcript NM_000081.4 (MANE Select); coding-DNA position 10553, G replaced by A.
Protein change: p.Ser3518Asn; replaces serine 3518 with asparagine.
Molecular consequence: missense variant.
Genome position (GRCh38, 1-based): chr1:235,697,094, C>T on the plus strand (G>A on the coding strand, the complement: LYST is on the minus strand). VCF-style: chr1-235697094-C-T. GRCh37 (hg19) VCF-style: chr1-235860394-C-T.
Other names: p.Ser3518Asn; c.10553G>A, p.Ser3518Asn (NM_001301365.1); short protein forms S3518N.
Identifiers: ClinVar variation 4542341 (VCV004542341.1).

ClinVar aggregate classification (germline): Uncertain significance (1 of 4 stars; one submission).

gnomAD v4.1: 2 of 1,613,912 alleles (0.00012%); highest among the groups gnomAD compares: East Asian, 0.0022%; no homozygotes.

Submission:

Mayo Clinic Laboratories, Mayo Clinic
Classification: Uncertain significance. Last evaluated: 2025-12-17. Review status: criteria provided, single submitter. Criteria: ACMG Guidelines, 2015. Collection method: clinical testing. Allele origin: germline. Observed: 1 variant allele.
Comment: BP4_moderate